The following continues an entry in ClinVar:

NM_000350.3(ABCA4):c.5461-10T>C

Gene: ABCA4. ClinVar aggregate classification (germline): Pathogenic. Pathogenic (1).

Submissions 9 to 25 of 46:

Institute of Human Genetics, University of Leipzig Medical Center
Classification: Pathogenic for Age related macular degeneration 2. Last evaluated: 2024-10-18. Review status: criteria provided, single submitter. Criteria: ACMG Guidelines, 2015. Collection method: clinical testing. Allele origin: unknown. Inheritance: Autosomal dominant inheritance. Affected: yes. Not counted in ClinVar's aggregate classification.
Comment: Criteria applied: PS3,PS4,PM3_STR,PM2_SUP,PP1

Blueprint Genetics
Classification: Pathogenic for ABCA4-related disorders. Last evaluated: 2024-10-16. Review status: criteria provided, single submitter. Criteria: ACMG Guidelines, 2015. Collection method: clinical testing. Allele origin: germline. Affected: yes. Observed: 5 variant alleles. Not counted in ClinVar's aggregate classification.

Victorian Clinical Genetics Services, Murdoch Childrens Research Institute
Classification: Pathogenic for Severe early-childhood-onset retinal dystrophy. Last evaluated: 2024-10-08. Review status: criteria provided, single submitter. Criteria: ACMG Guidelines, 2015. Collection method: clinical testing. Allele origin: germline. Inheritance: Autosomal recessive inheritance. Affected: yes. Not counted in ClinVar's aggregate classification.
Comment: Based on the classification scheme VCGS_Germline_v1.3.4, this variant is classified as Pathogenic. Following criteria are met: 0102 - Loss of function is a known mechanism of disease in this gene and is associated with Stargardt disease 1 (MIM#248200) and other eye conditions (OMIM). (I) 0106 - This gene is associated with autosomal recessive disease. (I) 0115 - Variants in this gene are known to have variable expressivity. (PMID: 31522899). (I) 0209 - Splice site variant proven to affect splicing of the transcript with uncertain effect on protein sequence. Patient derived fibroblasts demonstrated two possible splicing outcomes, skipping of exon 39 or skipping of both exons 39 and 40 (PMID: 27775217, 36209838). (SP) 0251 - This variant is heterozygous. (I) 0304 - Variant is present in gnomAD (v2) <0.01 for a recessive condition (62 heterozygotes, 0 homozygotes). (SP) 0704 - Another splice variant comparable to the one identified in this case has limited previous evidence for pathogenicity. c.5461-10T>G has been reported once in ClinVar as pathogenic. (SP) 0801 - This variant has strong previous evidence of pathogenicity in unrelated individuals. This variant has been reported as pathogenic many times (ClinVar) and is seen in the literature in compound heterozygous individuals, most commonly presenting with autosomal recessive Stargardt disease 1 (MIM#248200) (PMID: 31766579). (SP) 1208 - Inheritance information for this variant is not currently available in this individual. (I) Legend: (SP) - Supporting pathogenic, (I) - Information, (SB) - Supporting benign

Dubai Health Genomic Medicine Center, Dubai Health
Classification: Pathogenic for Retinal dystrophy. Last evaluated: 2024-10-04. Review status: criteria provided, single submitter. Criteria: ACMG Guidelines, 2015. Collection method: research. Allele origin: germline. Affected: yes. Not counted in ClinVar's aggregate classification.
Comment: PS3,PS1,PM3(strong), PM2, PP1

CeGaT Center for Human Genetics Tuebingen
Classification: Pathogenic. Last evaluated: 2023-11-01. Review status: criteria provided, single submitter. Criteria: CeGaT Center For Human Genetics Tuebingen Variant Classification Criteria Version 2. Collection method: clinical testing. Allele origin: germline. Affected: yes. Observed: 21 variant alleles. Not counted in ClinVar's aggregate classification.
Comment: ABCA4: PM3:Very Strong, PM2, PS3:Supporting

Ophthalmic Genetics Group, Institute of Molecular and Clinical Ophthalmology Basel
Classification: Pathogenic for Stargardt disease. Last evaluated: 2023-07-24. Review status: criteria provided, single submitter. Criteria: ACMG Guidelines, 2015. Collection method: research. Allele origin: germline. Affected: yes. Observed: 1 variant allele. Not counted in ClinVar's aggregate classification.
Comment: Clinical significance based on ACMG v2.0

This variant was classified as Pathogenic based on ACMG criteria: PS4, PM2, PP5.

Institute of Human Genetics, Univ. Regensburg, Univ. Regensburg
Classification: Pathogenic for Retinal dystrophy. Last evaluated: 2023-01-01. Review status: criteria provided, single submitter. Criteria: ACMG Guidelines, 2015. Collection method: clinical testing. Allele origin: germline. Affected: yes. Not counted in ClinVar's aggregate classification.

GeneDx
Classification: Pathogenic. Last evaluated: 2022-07-06. Review status: criteria provided, single submitter. Criteria: GeneDx Variant Classification Process June 2021. Collection method: clinical testing. Allele origin: germline. Affected: yes. Not counted in ClinVar's aggregate classification.
Comment: A study examining the RNA from fibroblast cells from individuals harboring the c.5461-10 T>C variant identified a reduction in full-length mRNA and the presence of alternatively spliced mRNAs where exons 39-40 were skipped (Aukrust et al., 2017); A minigene splice assay in HEK293T cells showed the c.5461-10 T>C variant construct had 100% exon 39 skipping, which was confirmed by cDNA sequencing (Sangermano et al., 2016); This variant is associated with the following publications: (PMID: 25525159, 28044389, 15494742, 18024811, 27775217, 15614537, 26976702, 10090887, 11328725, 20696155, 26261413, 25082885, 10958763, 29162642, 29461686, 29925512, 22328824, 11527935, 22264887, 19074458, 23695285, 24713488, 26393467, 15161829, 26568636, 23918662, 26872967, 26527198, 26311262, 27583828, 25097241, 23591405, 25363634, 28130426, 29126757, 28446513, 32467599, 32141364, 28947085, 29310964, 28341476, 30093795, 30634128, 30643219, 31618761, 30204727, 30576320, 31980526, 30718709, 31589614, 32619608, 34570182, 32783370, 33851411, 34198153)

AURAGEN, Plan France Médecine Génomique
Classification: Pathogenic for Retinal disorder. Last evaluated: 2022-03-16. Review status: criteria provided, single submitter. Criteria: PFMG2025 (Lancet Reg Health Eur. 2025). Collection method: clinical testing. Allele origin: germline. Affected: yes. Not counted in ClinVar's aggregate classification.

Institute of Human Genetics, University of Leipzig Medical Center
Classification: Pathogenic for Severe early-childhood-onset retinal dystrophy. Last evaluated: 2022-01-17. Review status: criteria provided, single submitter. Criteria: ACMG Guidelines, 2015. Collection method: clinical testing. Allele origin: unknown. Affected: yes. Not counted in ClinVar's aggregate classification.
Comment: This variant was identified as compound heterozygous with NM_000350.3:c.67-2A>G._x000D_ Criteria applied: PS3, PS4, PM3_STR, PM2_SUP, PP1

Department of Human Genetics, Hannover Medical School
Classification: Pathogenic for Severe early-childhood-onset retinal dystrophy. Last evaluated: 2021-11-15. Review status: criteria provided, single submitter. Criteria: ACMG Guidelines, 2015. Collection method: clinical testing. Allele origin: germline. Inheritance: Autosomal recessive inheritance. Affected: yes. Not counted in ClinVar's aggregate classification.

Institute of Human Genetics, University of Leipzig Medical Center
Classification: Pathogenic for Cone-rod dystrophy 3. Last evaluated: 2021-08-03. Review status: criteria provided, single submitter. Criteria: ACMG Guidelines, 2015. Collection method: clinical testing. Allele origin: unknown. Affected: yes. Not counted in ClinVar's aggregate classification.
Comment: This variant was identified as compound heterozygous with NM_000350.3:c.1822T>A.

Ocular Genomics Institute, Massachusetts Eye and Ear
Classification: Pathogenic for Severe early-childhood-onset retinal dystrophy. Last evaluated: 2021-04-08. Review status: criteria provided, single submitter. Criteria: ACMG Guidelines, 2015. Collection method: research. Allele origin: germline. Affected: yes. Not counted in ClinVar's aggregate classification.
Comment: Through a review of available evidence we were able to apply the following criteria: PM2, PS3, PM3-S. Based on this evidence we have classified this variant as Pathogenic.

Institute of Medical Genetics and Applied Genomics, University Hospital Tübingen
Classification: Pathogenic. Last evaluated: 2020-10-23. Review status: criteria provided, single submitter. Criteria: ACMG Guidelines, 2015. Collection method: clinical testing. Allele origin: germline. Inheritance: Unknown mechanism. Affected: yes. Not counted in ClinVar's aggregate classification.

Centre for Mendelian Genomics, University Medical Centre Ljubljana
Classification: Pathogenic for Age related macular degeneration 2. Last evaluated: 2019-08-23. Review status: criteria provided, single submitter. Criteria: ACMG Guidelines, 2015. Collection method: clinical testing. Allele origin: unknown. Affected: yes. Not counted in ClinVar's aggregate classification.
Comment: This variant was classified as: Pathogenic. The following ACMG criteria were applied in classifying this variant: PS1,PS3,PM3,PP4.

Broad Center for Mendelian Genomics, Broad Institute of MIT and Harvard
Classification: Likely pathogenic for Severe early-childhood-onset retinal dystrophy. Last evaluated: 2018-12-03. Review status: criteria provided, single submitter. Criteria: ACMG Guidelines, 2015. Collection method: research. Allele origin: germline. Inheritance: Autosomal recessive inheritance. Affected: yes. Not counted in ClinVar's aggregate classification.
Comment: This variant has been identified in 0.02278% (63/276528) of chromosomes and by the Genome Aggregation Database (gnomAD; dbSNP rs1800728). Although this variant has been seen in the general population, its frequency is low enough to be consistent with a recessive carrier frequency. The allele frequency of this variant in a cohort of 139 individuals diagnosed with Stargardt disease and multiple missense variants in the ABCA4 gene was approximately 5% (PMID: 29925512). The presence of this variant in combination with a likely pathogenic variant increases the likelihood that the c.5461-10T>C variant is pathogenic. In vitro functional studies provide some evidence that the c.5461-10T>C variant may impact protein function by causing abnormal splicing of Exon 39 and 40 in many cell types, leading to a frameshift and early termination of the protein (PMID: 29461686). However, these types of assays may not accurately represent biological function. In summary, although additional studies are required to fully establish its clinical significance, this variant is likely pathogenic. ACMG/AMP Criteria applied: PM2, PS3, PM3_Supporting (Richards 2015).

Fulgent Genetics
Classification: Pathogenic for Age related macular degeneration 2; Severe early-childhood-onset retinal dystrophy; Retinitis pigmentosa 19; Cone-rod dystrophy 3. Last evaluated: 2018-10-31. Review status: criteria provided, single submitter. Criteria: ACMG Guidelines, 2015. Collection method: clinical testing. Allele origin: unknown. Not counted in ClinVar's aggregate classification.